The following is an entry in ClinVar:

NM_147196.3(TMIE):c.148G>T (p.Val50Leu)

Gene: TMIE (transmembrane inner ear; plus strand). Cytogenetic location: 3p21.31.
Variant type: single nucleotide variant.
Coding change: c.148G>T on transcript NM_147196.3 (MANE Select); coding-DNA position 148, G replaced by T.
Protein change: p.Val50Leu; replaces valine 50 with leucine.
Molecular consequence: missense variant. On other transcripts: 5 prime UTR variant (2).
Genome position (GRCh38, 1-based): chr3:46,705,844, G>T. VCF-style: chr3-46705844-G-T. GRCh37 (hg19) VCF-style: chr3-46747334-G-T.
Other names: c.-12G>T (NM_001370524.1, NM_001370525.1); short protein forms V50L.
Identifiers: ClinVar variation 1175546 (VCV001175546.7), dbSNP rs567795032, ClinGen allele CA2357939.
Genomic context (GRCh38, chr3:46,705,844, plus strand): 5'-CCACAGCCCAGCACGGCCCCACCCAAGCCCAAGCCGCCTCCGCTGACCAAGGAGACAGTG[G>T]TGTTCTGGGACATGCGCCTGTGGCACGTGGTGGGCATCTTTTCGCTCTTCGTGTTGTCCA-3'
Protein context (NP_671729.2, residues 40-60): KPPPLTKETV[Val50Leu]FWDMRLWHVV

ClinVar aggregate classification (germline): Conflicting classifications of pathogenicity. Review status: criteria provided, conflicting classifications (1 of 4 stars). 3 submissions from 3 submitters: Uncertain significance (1); Likely benign (1). 1 of the submissions does not count toward it. Last evaluated 2020-03-26.

Conditions:
Autosomal recessive nonsyndromic hearing loss 6. Also called: NEUROSENSORY NONSYNDROMIC RECESSIVE DEAFNESS 6. Identifiers: Orphanet 90636, MedGen C1832992, MONDO:0010965, OMIM 600971.
TMIE-related disorder. Also called: TMIE-related condition.

Allele frequency attached by ClinVar (database versions not stated): TOPMed 0.00001; gnomAD 0.00007; ExAC 0.00030; 1000 Genomes Project 30x 0.00047; 1000 Genomes Project 0.00060.
gnomAD v4.1: 204 of 1,614,164 alleles (0.013%); highest among the groups gnomAD compares: South Asian, 0.21%; 1 homozygote.

Submissions (3):

GeneDx
Classification: Likely benign. Last evaluated: 2020-03-26. Review status: criteria provided, single submitter. Criteria: GeneDx Variant Classification Process June 2021. Collection method: clinical testing. Allele origin: germline. Affected: yes.

Revvity Omics, Revvity
Classification: Uncertain significance for Autosomal recessive nonsyndromic hearing loss 6. Last evaluated: 2020-01-17. Review status: criteria provided, single submitter. Criteria: ACMG Guidelines, 2015. Collection method: clinical testing. Allele origin: germline.

PreventionGenetics, part of Exact Sciences
Classification: Likely benign for TMIE-related condition. Last evaluated: 2023-10-24. Review status: no assertion criteria provided. Collection method: clinical testing. Allele origin: germline. Not counted in ClinVar's aggregate classification.
Comment: This variant is classified as likely benign based on ACMG/AMP sequence variant interpretation guidelines (Richards et al. 2015 PMID: 25741868, with internal and published modifications).